The following is an entry in ClinVar:

NM_000156.6(GAMT):c.-44C>T

Genes: GAMT (guanidinoacetate N-methyltransferase; minus strand), LOC130062945 (ATAC-STARR-seq lymphoblastoid silent region 9707; plus strand). Cytogenetic location: 19p13.3.
Variant type: single nucleotide variant.
Coding change: c.-44C>T on transcript NM_000156.6 (MANE Select); 44 bases upstream of the start codon, C replaced by T.
Molecular consequence: 5 prime UTR variant.
Genome position (GRCh38, 1-based): chr19:1,401,520, G>A on the plus strand (C>T on the coding strand, the complement: GAMT is on the minus strand). VCF-style: chr19-1401520-G-A. GRCh37 (hg19) VCF-style: chr19-1401519-G-A.
Other names: c.-44C>T (NM_138924.3).
Identifiers: ClinVar variation 205570 (VCV000205570.1), dbSNP rs545640420, ClinGen allele CA314788.

ClinVar aggregate classification (germline): Likely benign (1 of 4 stars; one submission).

Submission:

GeneDx
Classification: Likely benign. Last evaluated: 2012-12-05. Review status: criteria provided, single submitter. Criteria: GeneDx Variant Classification (06012015). Collection method: clinical testing. Allele origin: germline. Affected: yes.
Comment: This variant is considered likely benign or benign based on one or more of the following criteria: it is a conservative change, it occurs at a poorly conserved position in the protein, it is predicted to be benign by multiple in silico algorithms, and/or has population frequency not consistent with disease.